The following is an entry in ClinVar:

ClinVar aggregate classification (germline): Conflicting classifications of pathogenicity. Review status: criteria provided, conflicting classifications (1 of 4 stars). 11 submissions from 11 submitters: Uncertain significance (2); Benign (1); Likely benign (8). Last evaluated 2026-06-30.

Conditions:
Autosomal recessive limb-girdle muscular dystrophy type 2J (LGMDR10). Also called: Limb-girdle muscular dystrophy, type 2J; MUSCULAR DYSTROPHY, LIMB-GIRDLE, AUTOSOMAL RECESSIVE 10. Identifiers: Orphanet 140922, MedGen C1837342, MONDO:0012127, OMIM 608807.
Dilated cardiomyopathy 1G (CMD1G). Identifiers: Orphanet 154, MedGen C1858763, MONDO:0011400, OMIM 604145.
Cardiomyopathy (CMYO). Also called: Cardiomyopathies. Identifiers: Orphanet 167848, MedGen C0878544, MONDO:0004994, HP:0001638. Inheritance: Various modes of inheritance.
TTN-related disorder. Also called: TTN-related condition; TTN-related disease; TTN-related disorders.
Cardiovascular phenotype. Identifiers: MedGen CN230736.

Allele frequency attached by ClinVar (database versions not stated): ESP Exome Variant Server 0.00017; TOPMed 0.00047; 1000 Genomes Project 0.00100; 1000 Genomes Project 30x 0.00125.
gnomAD v4.1: 166 of 1,593,002 alleles (0.01%); highest among the groups gnomAD compares: African/African-American, 0.13%; no homozygotes.

Submissions (11):

PreventionGenetics, part of Exact Sciences
Classification: Uncertain significance for TTN-related condition. Last evaluated: 2026-06-30. Review status: criteria provided, single submitter. Criteria: ACMG Guidelines, 2015. Collection method: clinical testing. Allele origin: germline.
Comment: The TTN c.43502C>G variant is predicted to result in the amino acid substitution p.Thr14501Ser. To our knowledge, this variant has not been reported in the literature. This variant is reported in 0.10% of alleles in individuals of African descent in gnomAD. Although we suspect that this variant may be benign, at this time, the clinical significance of this variant is uncertain due to the absence of conclusive functional and genetic evidence.

Molecular Diagnostic Laboratory for Inherited Cardiovascular Disease, Montreal Heart Institute
Classification: Likely benign. Last evaluated: 2026-03-27. Review status: criteria provided, single submitter. Criteria: ACMG Guidelines, 2015. Collection method: clinical testing. Allele origin: germline. Affected: no.
Comment: BS1;BP1

Labcorp Genetics (formerly Invitae), Labcorp
Classification: Likely benign for Dilated cardiomyopathy 1G; Autosomal recessive limb-girdle muscular dystrophy type 2J. Last evaluated: 2026-01-27. Review status: criteria provided, single submitter. Criteria: Invitae Variant Classification Sherloc (09022015). Collection method: clinical testing. Allele origin: germline.

CeGaT Center for Human Genetics Tuebingen
Classification: Likely benign. Last evaluated: 2025-10-01. Review status: criteria provided, single submitter. Criteria: CeGaT Center For Human Genetics Tuebingen Variant Classification Criteria Version 2. Collection method: clinical testing. Allele origin: germline. Affected: yes. Observed: 2 variant alleles.
Comment: TTN: BP4

Mayo Clinic Laboratories, Mayo Clinic
Classification: Likely benign. Last evaluated: 2025-02-25. Review status: criteria provided, single submitter. Criteria: ACMG Guidelines, 2015. Collection method: clinical testing. Allele origin: germline. Observed: 2 variant alleles.
Comment: BS1, BP4

Revvity Omics, Revvity
Classification: Likely benign. Last evaluated: 2024-11-20. Review status: criteria provided, single submitter. Criteria: ACMG Guidelines, 2015. Collection method: clinical testing. Allele origin: germline.

Blueprint Genetics
Classification: Likely benign. Last evaluated: 2024-11-11. Review status: criteria provided, single submitter. Criteria: ACMG Guidelines, 2015. Collection method: clinical testing. Allele origin: germline.

CHEO Genetics Diagnostic Laboratory, Children's Hospital of Eastern Ontario
Classification: Benign for Cardiomyopathy. Last evaluated: 2021-11-01. Review status: criteria provided, single submitter. Criteria: ACMG Guidelines, 2015. Collection method: clinical testing. Allele origin: germline.

GeneDx
Classification: Likely benign. Last evaluated: 2021-05-26. Review status: criteria provided, single submitter. Criteria: GeneDx Variant Classification Process June 2021. Collection method: clinical testing. Allele origin: germline. Affected: yes.

Ambry Genetics
Classification: Likely benign for Cardiovascular phenotype. Last evaluated: 2018-11-13. Review status: criteria provided, single submitter. Criteria: Ambry Variant Classification Scheme 2023. Collection method: clinical testing. Allele origin: germline.

Eurofins Ntd Llc (ga)
Classification: Uncertain significance. Last evaluated: 2017-01-16. Review status: criteria provided, single submitter. Criteria: EGL Classification Definitions 2015. Collection method: clinical testing. Allele origin: germline. Observed: 5 variant alleles, 5 heterozygotes.

NM_001267550.2(TTN):c.43502C>G (p.Thr14501Ser)

Gene: TTN (titin; minus strand). Cytogenetic location: 2q31.2.
Variant type: single nucleotide variant.
Coding change: c.43502C>G on transcript NM_001267550.2 (MANE Select); coding-DNA position 43502, C replaced by G.
Protein change: p.Thr14501Ser; replaces threonine 14501 with serine.
Molecular consequence: missense variant.
Genome position (GRCh38, 1-based): chr2:178,632,392, G>C on the plus strand (C>G on the coding strand, the complement: TTN is on the minus strand). VCF-style: chr2-178632392-G-C. GRCh37 (hg19) VCF-style: chr2-179497119-G-C.
Other names: p.Thr12860Ser; c.38579C>G, p.Thr12860Ser (NM_001256850.1); c.16307C>G, p.Thr5436Ser (NM_003319.4); c.35798C>G, p.Thr11933Ser (NM_133378.4); c.16682C>G, p.Thr5561Ser (NM_133432.3); c.16883C>G, p.Thr5628Ser (NM_133437.4); short protein forms T14501S, T11933S, T12860S, T5436S, T5628S, T5561S.
Identifiers: ClinVar variation 404890 (VCV000404890.53), dbSNP rs115825044, ClinGen allele CA1995842.
Genomic context (GRCh38, chr2:178,632,392, plus strand): 5'-GATAACTCCACAGTAAATACAGCACTTTCCTTCTCTTTGGCAGTTACATCTTTGAGAGGG[G>C]TGAGGAATTTGAGCCGGATTCCTATCAAGAAAAAAAAGAAAGAACTTATTAATTGAAGCA-3'
Protein context (NP_001254479.2, residues 14491-14511): IIEGIRLKFL[Thr14501Ser]PLKDVTAKEK